The following is an entry in ClinVar:

NM_000081.4(LYST):c.3574G>T (p.Glu1192Ter)

Gene: LYST (lysosomal trafficking regulator; minus strand). Cytogenetic location: 1q42.3.
Variant type: single nucleotide variant.
Coding change: c.3574G>T on transcript NM_000081.4 (MANE Select); coding-DNA position 3574, G replaced by T.
Protein change: p.Glu1192Ter; replaces glutamic acid 1192 with a stop codon.
Molecular consequence: nonsense.
Genome position (GRCh38, 1-based): chr1:235,803,046, C>A on the plus strand (G>T on the coding strand, the complement: LYST is on the minus strand). VCF-style: chr1-235803046-C-A. GRCh37 (hg19) VCF-style: chr1-235966346-C-A.
Other names: c.3574G>T, p.Glu1192Ter (NM_001301365.1); short protein forms E1192*.
Identifiers: ClinVar variation 1452929 (VCV001452929.7), dbSNP rs2527038050, ClinGen allele CA344947511.

ClinVar aggregate classification (germline): Pathogenic. Review status: criteria provided, multiple submitters, no conflicts (2 of 4 stars). 2 submissions from 2 submitters: Pathogenic (2). Last evaluated 2026-04-01.

Conditions:
Chédiak-Higashi syndrome (CHS). Also called: Chediak-Higashi Syndrome. Identifiers: Orphanet 167, MedGen C0007965, MONDO:0008963, OMIM 214500.

Allele frequency attached by ClinVar (database versions not stated): gnomAD exomes below 0.00001.
gnomAD v4.1: 2 of 1,612,898 alleles (0.00012%); highest among the groups gnomAD compares: Non-Finnish European, 0.00017%; no homozygotes.

Submissions (2):

CeGaT Center for Human Genetics Tuebingen
Classification: Pathogenic. Last evaluated: 2026-04-01. Review status: criteria provided, single submitter. Criteria: CeGaT Center For Human Genetics Tuebingen Variant Classification Criteria Version 2. Collection method: clinical testing. Allele origin: germline. Affected: yes. Observed: 1 variant allele.
Comment: LYST: PVS1, PM2, PM3:Supporting

Labcorp Genetics (formerly Invitae), Labcorp
Classification: Pathogenic for Chédiak-Higashi syndrome. Last evaluated: 2026-01-26. Review status: criteria provided, single submitter. Criteria: Invitae Variant Classification Sherloc (09022015). Collection method: clinical testing. Allele origin: germline.
Comment: This sequence change creates a premature translational stop signal (p.Glu1192*) in the LYST gene. It is expected to result in an absent or disrupted protein product. Loss-of-function variants in LYST are known to be pathogenic (PMID: 9215679, 11857544). This variant is not present in population databases (gnomAD no frequency). This variant has not been reported in the literature in individuals affected with LYST-related conditions. ClinVar contains an entry for this variant (Variation ID: 1452929). Algorithms developed to predict the effect of sequence changes on RNA splicing suggest that this variant may disrupt the consensus splice site. For these reasons, this variant has been classified as Pathogenic.

Literature cited by the submitters: PubMed 9215679 (cited by Labcorp Genetics (formerly Invitae), Labcorp); PubMed 11857544 (cited by Labcorp Genetics (formerly Invitae), Labcorp).